The following is an entry in ClinVar:

ClinVar aggregate classification (germline): Uncertain significance (1 of 4 stars; one submission).

gnomAD v4.1: 1 of 1,614,162 alleles (0.000062%); no homozygotes.

Submission:

Labcorp Genetics (formerly Invitae), Labcorp
Classification: Uncertain significance. Last evaluated: 2024-01-30. Review status: criteria provided, single submitter. Criteria: Invitae Variant Classification Sherloc (09022015). Collection method: clinical testing. Allele origin: germline.
Comment: This sequence change replaces asparagine, which is neutral and polar, with serine, which is neutral and polar, at codon 813 of the BNC2 protein (p.Asn813Ser). This variant is present in population databases (no rsID available, gnomAD 0.0009%). This variant has not been reported in the literature in individuals affected with BNC2-related conditions. Algorithms developed to predict the effect of missense changes on protein structure and function output the following: SIFT: "Not Available"; PolyPhen-2: "Benign"; Align-GVGD: "Not Available". The serine amino acid residue is found in multiple mammalian species, which suggests that this missense change does not adversely affect protein function. In summary, the available evidence is currently insufficient to determine the role of this variant in disease. Therefore, it has been classified as a Variant of Uncertain Significance.

NM_017637.6(BNC2):c.2438A>G (p.Asn813Ser)

Genes: BNC2 (basonuclin zinc finger protein 2; minus strand), LOC126860585 (MED14-independent group 3 enhancer GRCh37_chr9:16435259-16436458; plus strand). Cytogenetic location: 9p22.3.
Variant type: single nucleotide variant.
Coding change: c.2438A>G on transcript NM_017637.6 (MANE Select); coding-DNA position 2438, A replaced by G.
Protein change: p.Asn813Ser; replaces asparagine 813 with serine.
Molecular consequence: missense variant.
Genome position (GRCh38, 1-based): chr9:16,435,756, T>C on the plus strand (A>G on the coding strand, the complement: BNC2 is on the minus strand). VCF-style: chr9-16435756-T-C. GRCh37 (hg19) VCF-style: chr9-16435754-T-C.
Other names: c.2312A>G, p.Asn771Ser (NM_001317939.2); c.2153A>G, p.Asn718Ser (NM_001317940.2); short protein forms N718S, N771S, N813S.
Identifiers: ClinVar variation 3681254 (VCV003681254.2).